The following is an entry in ClinVar:

ClinVar aggregate classification (germline): Benign. Review status: criteria provided, multiple submitters, no conflicts (2 of 4 stars). 2 submissions from 2 submitters: Benign (2). Last evaluated 2018-06-18.

Allele frequency attached by ClinVar (database versions not stated): gnomAD exomes 0.20987; gnomAD 0.33790 and 0.34428; TOPMed 0.35593; 1000 Genomes Project 0.37600; 1000 Genomes Project 30x 0.38164.
gnomAD v4.1: 358,779 of 1,610,468 alleles (22%); highest among the groups gnomAD compares: African/African-American, 67%; 49,006 homozygotes.

Submissions (2):

GeneDx
Classification: Benign. Last evaluated: 2018-06-18. Review status: criteria provided, single submitter. Criteria: GeneDx Variant Classification (06012015). Collection method: clinical testing. Allele origin: germline. Affected: yes.
Comment: This variant is considered likely benign or benign based on one or more of the following criteria: it is a conservative change, it occurs at a poorly conserved position in the protein, it is predicted to be benign by multiple in silico algorithms, and/or has population frequency not consistent with disease.

Breakthrough Genomics
Classification: Benign. Review status: criteria provided, single submitter. Criteria: ACMG Guidelines, 2015. Collection method: not provided. Allele origin: germline. Inheritance: Autosomal dominant inheritance. Affected: yes.

NM_001376.5(DYNC1H1):c.9762+77C>A

Gene: DYNC1H1 (dynein cytoplasmic 1 heavy chain 1; plus strand). Cytogenetic location: 14q32.31.
Variant type: single nucleotide variant.
Coding change: c.9762+77C>A on transcript NM_001376.5 (MANE Select); 77 bases into the intron after coding-DNA position 9762, C replaced by A.
Molecular consequence: intron variant.
Genome position (GRCh38, 1-based): chr14:102,030,015, C>A. VCF-style: chr14-102030015-C-A. GRCh37 (hg19) VCF-style: chr14-102496352-C-A.
Identifiers: ClinVar variation 674055 (VCV000674055.2), dbSNP rs2253998, ClinGen allele CA15802437.
Genomic context (GRCh38, chr14:102,030,015, plus strand): 5'-TTCTGGCCTGTAAGGACTGAGCATTTTCAGTCTCCAATGAGAGAGTAGGAAATGTAGTTC[C>A]AAATGGGTCTTAGGGTTAGAGAGAGGGAGGGAGGGAGAGAGAGTGTGTGTGTGTGTGTGT-3'